The following is an entry in ClinVar:

NM_024422.6(DSC2):c.1352C>G (p.Ser451Ter)

Gene: DSC2 (desmocollin 2; minus strand). Cytogenetic location: 18q12.1.
Variant type: single nucleotide variant.
Coding change: c.1352C>G on transcript NM_024422.6 (MANE Select); coding-DNA position 1352, C replaced by G.
Protein change: p.Ser451Ter; replaces serine 451 with a stop codon.
Molecular consequence: nonsense.
Genome position (GRCh38, 1-based): chr18:31,080,264, G>C on the plus strand (C>G on the coding strand, the complement: DSC2 is on the minus strand). VCF-style: chr18-31080264-G-C. GRCh37 (hg19) VCF-style: chr18-28660230-G-C.
Other names: c.1352C>G, p.Ser451Ter (NM_004949.5); short protein forms S451*.
Identifiers: ClinVar variation 924046 (VCV000924046.5), dbSNP rs794728068, ClinGen allele CA402108684.

ClinVar aggregate classification (germline): Conflicting classifications of pathogenicity. Review status: criteria provided, conflicting classifications (1 of 4 stars). 2 submissions from 2 submitters: Pathogenic (1); Uncertain significance (1). Last evaluated 2024-06-09.

Conditions:
Cardiomyopathy (CMYO). Also called: Cardiomyopathies. Identifiers: Orphanet 167848, MedGen C0878544, MONDO:0004994, HP:0001638. Inheritance: Various modes of inheritance.
Arrhythmogenic right ventricular dysplasia 11. Also called: ARRHYTHMOGENIC RIGHT VENTRICULAR DYSPLASIA, FAMILIAL, 11; Arrhythmogenic Right Ventricular Dysplasia/Cardiomyopathy11; Arrhythmogenic right ventricular dysplasia 11 with mild palmoplantar keratoderma and woolly hair. Identifiers: MedGen C1864850, MONDO:0012506, OMIM 610476.

Submissions (2):

Labcorp Genetics (formerly Invitae), Labcorp
Classification: Pathogenic for Arrhythmogenic right ventricular dysplasia 11. Last evaluated: 2024-06-09. Review status: criteria provided, single submitter. Criteria: Invitae Variant Classification Sherloc (09022015). Collection method: clinical testing. Allele origin: germline.
Comment: This sequence change creates a premature translational stop signal (p.Ser451*) in the DSC2 gene. It is expected to result in an absent or disrupted protein product. Loss-of-function variants in DSC2 are known to be pathogenic (PMID: 23911551). This variant is not present in population databases (gnomAD no frequency). This variant has not been reported in the literature in individuals affected with DSC2-related conditions. ClinVar contains an entry for this variant (Variation ID: 924046). For these reasons, this variant has been classified as Pathogenic.

Color Diagnostics, LLC DBA Color Health
Classification: Uncertain significance for Cardiomyopathy. Last evaluated: 2019-01-07. Review status: criteria provided, single submitter. Criteria: ACMG Guidelines, 2015. Collection method: clinical testing. Allele origin: germline.
Comment: This variant changes 1 nucleotide in exon 10 of the DSC2 gene, creating a premature translation stop signal. This variant is expected to result in an absent or non-functional protein product. To our knowledge, functional assays have not been performed for this variant nor has this variant been reported in individuals affected with cardiovascular disorders in the literature. This variant has not been identified in the general population by the Genome Aggregation Database (gnomAD). Truncations and other loss-of-function variants in the DSC2 gene have been reported in individuals with arrhythmogenic right ventricular cardiomyopathy. However, clinical significance of these variants is not yet fully understood. Available evidence is insufficient to determine the role of this variant in disease conclusively. Therefore, this variant is classified as a Variant of Uncertain Significance.

Literature cited by the submitters: PubMed 23911551 (cited by Labcorp Genetics (formerly Invitae), Labcorp).